The following is an entry in ClinVar:

ClinVar aggregate classification (germline): Pathogenic (1 of 4 stars; one submission).

Submission:

Labcorp Genetics (formerly Invitae), Labcorp
Classification: Pathogenic. Last evaluated: 2024-11-15. Review status: criteria provided, single submitter. Criteria: Invitae Variant Classification Sherloc (09022015). Collection method: clinical testing. Allele origin: germline.
Comment: This sequence change creates a premature translational stop signal (p.Thr506Ilefs*65) in the ADAMTS17 gene. It is expected to result in an absent or disrupted protein product. Loss-of-function variants in ADAMTS17 are known to be pathogenic (PMID: 19836009, 24940034). This variant is present in population databases (rs781125103, gnomAD 0.004%). This variant has not been reported in the literature in individuals affected with ADAMTS17-related conditions. For these reasons, this variant has been classified as Pathogenic.

Literature cited by the submitters: PubMed 19836009; PubMed 24940034.

NM_139057.4(ADAMTS17):c.1517_1518del (p.Thr506fs)

Gene: ADAMTS17 (ADAM metallopeptidase with thrombospondin type 1 motif 17; minus strand). Cytogenetic location: 15q26.3.
Variant type: Microsatellite.
Coding change: c.1517_1518del on transcript NM_139057.4 (MANE Select); coding-DNA positions 1517 to 1518, 2 bases deleted (CA; older notation c.1517_1518delCA).
Protein change: p.Thr506fs; shifts the reading frame from threonine 506.
Molecular consequence: frameshift variant.
Genome position (GRCh38, 1-based): chr15:100,133,271-100,133,272, TG deleted on the plus strand (CA on the coding strand, the reverse complement: ADAMTS17 is on the minus strand); deleting any 2 consecutive bases within chr15:100,133,271-100,133,275 gives the same sequence; the c. name uses the placement nearest the transcript's 3' end. VCF-style (leftmost placement, unchanged base first): chr15-100133270-ATG-A. GRCh37 (hg19) VCF-style: chr15-100673475-ATG-A.
Other names: short protein forms T506fs.
Identifiers: ClinVar variation 3619048 (VCV003619048.2).